The following is an entry in ClinVar:

NM_005257.6(GATA6):c.202G>C (p.Glu68Gln)

Gene: GATA6 (GATA binding protein 6; plus strand). Cytogenetic location: 18q11.2.
Variant type: single nucleotide variant.
Coding change: c.202G>C on transcript NM_005257.6 (MANE Select); coding-DNA position 202, G replaced by C.
Protein change: p.Glu68Gln; replaces glutamic acid 68 with glutamine.
Molecular consequence: missense variant.
Genome position (GRCh38, 1-based): chr18:22,171,346, G>C. VCF-style: chr18-22171346-G-C. GRCh37 (hg19) VCF-style: chr18-19751307-G-C.
Other names: short protein forms E68Q.
Identifiers: ClinVar variation 2500038 (VCV002500038.2), dbSNP rs1217533762, ClinGen allele CA401799011.

ClinVar aggregate classification (germline): Uncertain significance (1 of 4 stars; one submission).

Conditions:
Tetralogy of Fallot (TOF). Identifiers: Orphanet 3303, MedGen C0039685, MONDO:0008542, OMIM 187500, HP:0001636.
Conotruncal heart malformations (CTHM). Also called: Conotruncal heart malformations, variable. Identifiers: Orphanet 2445, Orphanet 3384, Orphanet 3426, MedGen C1857586, MONDO:0016581, OMIM 217095.
Atrial septal defect 9 (ASD9). Identifiers: Orphanet 1478, MedGen C3280943, MONDO:0013770, OMIM 614475.
Atrioventricular septal defect 5 (AVSD5). Identifiers: MedGen C3280939, MONDO:0013769, OMIM 614474.
Heart defects, congenital, and other congenital anomalies. Also called: PANCREATIC HYPOPLASIA, CONGENITAL, WITH DIABETES MELLITUS AND CONGENITAL HEART DISEASE; Pancreatic hypoplasia-diabetes-congenital heart disease syndrome. Identifiers: Orphanet 2255, MedGen C2931296, MONDO:0010802, OMIM 600001.

Allele frequency attached by ClinVar (database versions not stated): gnomAD exomes below 0.00001.

Submission:

Center for Genomics, Ann and Robert H. Lurie Children's Hospital of Chicago
Classification: Uncertain significance for Atrial septal defect 9; Conotruncal heart malformations; Heart defects, congenital, and other congenital anomalies; Atrioventricular septal defect 5; Tetralogy of Fallot. Review status: criteria provided, single submitter. Criteria: ACMG Guidelines, 2015. Collection method: clinical testing. Allele origin: germline.
Comment: GATA6 NM_005257.5 exon 2 p.Glu68Gln (c.202G>C): This variant has not been reported in the literature but is present in 0.001% (1/92892) of European alleles in the Genome Aggregation Database. Evolutionary conservation for this variant is unclear; computational predictive tools suggest that this variant may not impact the protein. In summary, data on this variant is insufficient for disease classification. Therefore, the clinical significance of this variant is uncertain.